The following is an entry in ClinVar:

ClinVar aggregate classification (germline): Uncertain significance (1 of 4 stars; one submission).

Submission:

Labcorp Genetics (formerly Invitae), Labcorp
Classification: Uncertain significance. Last evaluated: 2021-12-19. Review status: criteria provided, single submitter. Criteria: Invitae Variant Classification Sherloc (09022015). Collection method: clinical testing. Allele origin: germline.
Comment: This sequence change replaces glycine, which is neutral and non-polar, with arginine, which is basic and polar, at codon 364 of the ADIPOR1 protein (p.Gly364Arg). This variant is not present in population databases (gnomAD no frequency). This variant has not been reported in the literature in individuals affected with ADIPOR1-related conditions. Algorithms developed to predict the effect of missense changes on protein structure and function are either unavailable or do not agree on the potential impact of this missense change (SIFT: "Deleterious"; PolyPhen-2: "Benign"; Align-GVGD: "Class C0"). In summary, the available evidence is currently insufficient to determine the role of this variant in disease. Therefore, it has been classified as a Variant of Uncertain Significance.

NM_015999.6(ADIPOR1):c.1090G>C (p.Gly364Arg)

Gene: ADIPOR1 (adiponectin receptor 1; minus strand). Cytogenetic location: 1q32.1.
Variant type: single nucleotide variant.
Coding change: c.1090G>C on transcript NM_015999.6 (MANE Select); coding-DNA position 1090, G replaced by C.
Protein change: p.Gly364Arg; replaces glycine 364 with arginine.
Molecular consequence: missense variant.
Genome position (GRCh38, 1-based): chr1:202,941,611, C>G on the plus strand (G>C on the coding strand, the complement: ADIPOR1 is on the minus strand). VCF-style: chr1-202941611-C-G. GRCh37 (hg19) VCF-style: chr1-202910739-C-G.
Other names: c.1090G>C, p.Gly364Arg (NM_001127687.1, NM_001290553.2, NM_001290557.1 and 1 more transcripts); short protein forms G364R.
Identifiers: ClinVar variation 1934282 (VCV001934282.5), dbSNP rs139371614, ClinGen allele CA344277659.
Genomic context (GRCh38, chr1:202,941,611, plus strand): 5'-TCCACCCCGCAGGTGGGAAGGCTCAGAGAAGGGTGTCATCAGTACAGCCGCCTTCTAGGC[C>G]GTAACGGAATTCCTGAAGGTTGGAGACTCCATAGAAGTGGACAAAGGCTGCTGCCACCAC-3'
Protein context (NP_057083.2, residues 354-374): GVSNLQEFRY[Gly364Arg]LEGGCTDDTL